The following is an entry in ClinVar:

NM_174889.5(NDUFAF2):c.9G>A (p.Trp3Ter)

Gene: NDUFAF2 (NADH:ubiquinone oxidoreductase complex assembly factor 2; plus strand). Cytogenetic location: 5q12.1.
Variant type: single nucleotide variant.
Coding change: c.9G>A on transcript NM_174889.5 (MANE Select); coding-DNA position 9, G replaced by A.
Protein change: p.Trp3Ter; replaces tryptophan 3 with a stop codon.
Molecular consequence: nonsense.
Genome position (GRCh38, 1-based): chr5:60,945,264, G>A. VCF-style: chr5-60945264-G-A. GRCh37 (hg19) VCF-style: chr5-60241091-G-A.
Other names: short protein forms W3*.
Identifiers: ClinVar variation 496598 (VCV000496598.3), dbSNP rs1554076309, ClinGen allele CA359935468.

ClinVar aggregate classification (germline): Pathogenic. Review status: criteria provided, single submitter (1 of 4 stars). 2 submissions from 2 submitters: Pathogenic (1). 1 of the submissions does not count toward it. Last evaluated 2019-01-25.

Conditions:
Mitochondrial complex I deficiency, nuclear type 10. Also called: Mitochondrial complex 1 deficiency, nuclear type 10. Identifiers: MedGen C4748768, MONDO:0032616, OMIM 618233.

Submissions (2):

SIB Swiss Institute of Bioinformatics
Classification: Pathogenic for Mitochondrial complex I deficiency, nuclear type 10. Last evaluated: 2019-01-25. Review status: criteria provided, single submitter. Criteria: ACMG Guidelines, 2015. Collection method: curation. Allele origin: unknown.
Comment: This variant is interpreted as a Pathogenic for Mitochondrial complex I deficiency, nuclear type 10, autosomal recessive. The following ACMG Tag(s) were applied: PM2 : Absent from controls (or at extremely low frequency if recessive) in Exome Sequencing Project, 1000 Genomes Project, or Exome Aggregation Consortium. PS3 : Well-established functional studies show a deleterious effect (PMID:20571988). PVS1 : Predicted nullvariant in a gene where LOF is a known mechanism of disease.

OMIM
Classification: Pathogenic for MITOCHONDRIAL COMPLEX I DEFICIENCY, NUCLEAR TYPE 10. Last evaluated: 2018-12-13. Review status: no assertion criteria provided. Collection method: literature only. Allele origin: germline. Not counted in ClinVar's aggregate classification.

Literature cited by the submitters: PubMed 20571988 (cited by SIB Swiss Institute of Bioinformatics and OMIM).